The following is an entry in ClinVar:

NM_000059.4(BRCA2):c.9461A>G (p.His3154Arg)

Gene: BRCA2 (BRCA2 DNA repair associated; plus strand). Cytogenetic location: 13q13.1.
Variant type: single nucleotide variant.
Coding change: c.9461A>G on transcript NM_000059.4 (MANE Select); coding-DNA position 9461, A replaced by G.
Protein change: p.His3154Arg; replaces histidine 3154 with arginine.
Molecular consequence: missense variant.
Genome position (GRCh38, 1-based): chr13:32,394,893, A>G. VCF-style: chr13-32394893-A-G. GRCh37 (hg19) VCF-style: chr13-32969030-A-G.
Other names: short protein forms H3154R.
Identifiers: ClinVar variation 934133 (VCV000934133.11), dbSNP rs2073024987, ClinGen allele CA387761697.

ClinVar aggregate classification (germline): Uncertain significance. Review status: criteria provided, multiple submitters, no conflicts (2 of 4 stars). 2 submissions from 2 submitters: Uncertain significance (2). Last evaluated 2023-08-08.

Conditions:
Familial cancer of breast. Also called: Hereditary breast cancer; hereditary breast carcinoma; BREAST CANCER, FAMILIAL. Identifiers: Orphanet 227535, MedGen C0346153, MONDO:0016419, OMIM 114480. Disease mechanism: loss of function.
Hereditary breast ovarian cancer syndrome. Also called: Hereditary breast and ovarian cancer syndrome; Hereditary breast and ovarian cancer syndrome (HBOC); Hereditary breast and/or ovarian cancer syndrome; Hereditary breast and ovarian cancer; BRCA1- and BRCA2-Associated Hereditary Breast and Ovarian Cancer; Breast and ovarian cancer. Identifiers: Orphanet 145, MedGen C0677776, MeSH D061325, MONDO:0003582. Disease mechanism: loss of function.

Submissions (2):

Baylor Genetics
Classification: Uncertain significance for Familial cancer of breast. Last evaluated: 2023-08-08. Review status: criteria provided, single submitter. Criteria: ACMG Guidelines, 2015. Collection method: clinical testing. Allele origin: unknown.

Labcorp Genetics (formerly Invitae), Labcorp
Classification: Uncertain significance for Hereditary breast ovarian cancer syndrome. Last evaluated: 2019-08-10. Review status: criteria provided, single submitter. Criteria: Invitae Variant Classification Sherloc (09022015). Collection method: clinical testing. Allele origin: germline.
Comment: This variant has not been reported in the literature in individuals with BRCA2-related conditions. This variant is not present in population databases (ExAC no frequency). This sequence change replaces histidine with arginine at codon 3154 of the BRCA2 protein (p.His3154Arg). The histidine residue is highly conserved and there is a small physicochemical difference between histidine and arginine. Algorithms developed to predict the effect of missense changes on protein structure and function output the following: SIFT: "Deleterious"; PolyPhen-2: "Probably Damaging"; Align-GVGD: "Class C0". The arginine amino acid residue is found in multiple mammalian species, suggesting that this missense change does not adversely affect protein function. These predictions have not been confirmed by published functional studies and their clinical significance is uncertain. In summary, the available evidence is currently insufficient to determine the role of this variant in disease. Therefore, it has been classified as a Variant of Uncertain Significance.